The following is an entry in ClinVar:

ClinVar aggregate classification (germline): Pathogenic (1 of 4 stars; one submission).

Conditions:
Hereditary diffuse gastric adenocarcinoma (HDGC). Also called: DIFFUSE GASTRIC AND LOBULAR BREAST CANCER SYNDROME. Identifiers: Orphanet 26106, MedGen C1708349, MONDO:0007648, OMIM 137215.

Submission:

Labcorp Genetics (formerly Invitae), Labcorp
Classification: Pathogenic for Hereditary diffuse gastric adenocarcinoma. Last evaluated: 2025-01-15. Review status: criteria provided, single submitter. Criteria: Invitae Variant Classification Sherloc (09022015). Collection method: clinical testing. Allele origin: germline.
Comment: This sequence change affects a donor splice site in intron 1 of the CDH1 gene. It is expected to disrupt RNA splicing. Variants that disrupt the donor or acceptor splice site typically lead to a loss of protein function (PMID: 16199547), and loss-of-function variants in CDH1 are known to be pathogenic (PMID: 15235021, 20373070). This variant is not present in population databases (gnomAD no frequency). Disruption of this splice site has been observed in individuals with diffuse gastric cancer, invasive lobular breast cancer, and/or signet cell carcinoma (PMID: 20719348, 24366306, 30745422). Algorithms developed to predict the effect of sequence changes on RNA splicing suggest that this variant may disrupt the consensus splice site. For these reasons, this variant has been classified as Pathogenic.

Literature cited by the submitters: PubMed 16199547; PubMed 15235021; PubMed 20373070; PubMed 20719348; PubMed 24366306; PubMed 30745422.

NM_004360.5(CDH1):c.48+2T>C

Gene: CDH1 (cadherin 1; plus strand). Cytogenetic location: 16q22.1.
Variant type: single nucleotide variant.
Coding change: c.48+2T>C on transcript NM_004360.5 (MANE Select); the canonical splice donor site of the intron after coding-DNA position 48, T replaced by C.
Molecular consequence: splice donor variant.
Genome position (GRCh38, 1-based): chr16:68,737,465, T>C. VCF-style: chr16-68737465-T-C. GRCh37 (hg19) VCF-style: chr16-68771368-T-C.
Other names: c.-1568+2T>C (NM_001317185.2); c.-1772+2T>C (NM_001317186.2); c.48+2T>C (NM_001317184.2).
Identifiers: ClinVar variation 3663999 (VCV003663999.2).